The following is an entry in ClinVar:

ClinVar aggregate classification (germline): Uncertain significance. Review status: criteria provided, multiple submitters, no conflicts (2 of 4 stars). 2 submissions from 2 submitters: Uncertain significance (2). Last evaluated 2026-07-07.

Conditions:
Hereditary cancer-predisposing syndrome. Also called: Hereditary Cancer Syndrome; Hereditary neoplastic syndrome; Neoplastic Syndromes, Hereditary; Tumor predisposition. Identifiers: Orphanet 140162, MedGen C0027672, MeSH D009386, MONDO:0015356.
DICER1-related tumor predisposition. Also called: DICER1-related pleuropulmonary blastoma cancer predisposition syndrome; DICER1 syndrome. Identifiers: Orphanet 284343, MedGen C3839822, MONDO:0100216.

gnomAD v4.1: 1 of 1,614,242 alleles (0.000062%); highest among the groups gnomAD compares: Non-Finnish European, 0.000085%; no homozygotes.

Submissions (2):

Ambry Genetics
Classification: Uncertain significance for Hereditary cancer-predisposing syndrome. Last evaluated: 2026-07-07. Review status: criteria provided, single submitter. Criteria: Ambry Variant Classification Scheme 2023. Collection method: clinical testing. Allele origin: germline.
Comment: The p.C1562S variant (also known as c.4685G>C), located in coding exon 22 of the DICER1 gene, results from a G to C substitution at nucleotide position 4685. The cysteine at codon 1562 is replaced by serine, an amino acid with dissimilar properties. This amino acid position is conserved. In addition, this alteration is predicted to be deleterious by in silico analysis. Based on the available evidence, the clinical significance of this variant remains unclear.

Labcorp Genetics (formerly Invitae), Labcorp
Classification: Uncertain significance for DICER1-related tumor predisposition. Last evaluated: 2025-07-02. Review status: criteria provided, single submitter. Criteria: Invitae Variant Classification Sherloc (09022015). Collection method: clinical testing. Allele origin: germline.
Comment: This sequence change replaces cysteine, which is neutral and slightly polar, with serine, which is neutral and polar, at codon 1562 of the DICER1 protein (p.Cys1562Ser). This variant is not present in population databases (gnomAD no frequency). This variant has not been reported in the literature in individuals affected with DICER1-related conditions. Invitae Evidence Modeling of protein sequence and biophysical properties (such as structural, functional, and spatial information, amino acid conservation, physicochemical variation, residue mobility, and thermodynamic stability) has been performed for this missense variant. However, the output from this modeling did not meet the statistical confidence thresholds required to predict the impact of this variant on DICER1 protein function. In summary, the available evidence is currently insufficient to determine the role of this variant in disease. Therefore, it has been classified as a Variant of Uncertain Significance.

NM_177438.3(DICER1):c.4685G>C (p.Cys1562Ser)

Gene: DICER1 (dicer 1, ribonuclease III; minus strand). Cytogenetic location: 14q32.13.
Variant type: single nucleotide variant.
Coding change: c.4685G>C on transcript NM_177438.3 (MANE Select); coding-DNA position 4685, G replaced by C.
Protein change: p.Cys1562Ser; replaces cysteine 1562 with serine.
Molecular consequence: missense variant. On other transcripts: non-coding transcript variant (6).
Genome position (GRCh38, 1-based): chr14:95,096,235, C>G on the plus strand (G>C on the coding strand, the complement: DICER1 is on the minus strand). VCF-style: chr14-95096235-C-G. GRCh37 (hg19) VCF-style: chr14-95562572-C-G.
Other names: c.4685G>C, p.Cys1562Ser (NM_001195573.1, NM_001271282.3, NM_001291628.2 and 12 more transcripts); c.4403G>C, p.Cys1468Ser (NM_001395686.1); c.4280G>C, p.Cys1427Ser (NM_001395687.1, NM_001395688.1, NM_001395689.1 and 2 more transcripts); c.4118G>C, p.Cys1373Ser (NM_001395691.1); c.3002G>C, p.Cys1001Ser (NM_001395697.1); short protein forms C1562S, C1468S, C1373S, C1427S, C1001S.
Identifiers: ClinVar variation 4746756 (VCV004746756.2).